The following is an entry in ClinVar:

ClinVar aggregate classification (germline): Uncertain significance (1 of 4 stars; one submission).

Submission:

GeneDx
Classification: Uncertain significance. Last evaluated: 2026-04-14. Review status: criteria provided, single submitter. Criteria: GeneDx Variant Classification Process June 2021. Collection method: clinical testing. Allele origin: germline.
Comment: Not observed at significant frequency in large population cohorts (gnomAD); In silico analysis supports that this missense variant has a deleterious effect on protein structure/function; Has not been previously published as pathogenic or benign to our knowledge; Reported using an alternate transcript of the gene

NM_001114753.3(ENG):c.1966A>G (p.Ser656Gly)

Gene: ENG (endoglin; minus strand). Cytogenetic location: 9q34.11.
Variant type: single nucleotide variant.
Coding change: c.1966A>G on transcript NM_001114753.3 (MANE Select); coding-DNA position 1966, A replaced by G.
Protein change: p.Ser656Gly; replaces serine 656 with glycine.
Molecular consequence: missense variant. On other transcripts: 3 prime UTR variant (1).
Genome position (GRCh38, 1-based): chr9:127,815,693, T>C on the plus strand (A>G on the coding strand, the complement: ENG is on the minus strand). VCF-style: chr9-127815693-T-C. GRCh37 (hg19) VCF-style: chr9-130577972-T-C.
Other names: c.*224A>G (NM_000118.4); c.1420A>G, p.Ser474Gly (NM_001278138.2); short protein forms S474G, S656G.
Identifiers: ClinVar variation 5037062 (VCV005037062.1).